The following is an entry in ClinVar:

ClinVar aggregate classification (germline): Uncertain significance (1 of 4 stars; one submission).

Conditions:
SEMA3A-related disorder. Also called: SEMA3A-related condition.

Submission:

PreventionGenetics, part of Exact Sciences
Classification: Uncertain significance for SEMA3A-related condition. Last evaluated: 2025-06-12. Review status: criteria provided, single submitter. Criteria: ACMG Guidelines, 2015. Collection method: clinical testing. Allele origin: germline.
Comment: The SEMA3A c.2209C>T variant is predicted to result in the amino acid substitution p.Pro737Ser. To our knowledge, this variant has not been reported in the literature or in a large population database (gnomAD), indicating this variant is rare. At this time, the clinical significance of this variant is uncertain due to the absence of conclusive functional and genetic evidence.

NM_006080.3(SEMA3A):c.2209C>T (p.Pro737Ser)

Gene: SEMA3A (semaphorin 3A; minus strand). Cytogenetic location: 7q21.11.
Variant type: single nucleotide variant.
Coding change: c.2209C>T on transcript NM_006080.3 (MANE Select); coding-DNA position 2209, C replaced by T.
Protein change: p.Pro737Ser; replaces proline 737 with serine.
Molecular consequence: missense variant.
Genome position (GRCh38, 1-based): chr7:83,961,478, G>A on the plus strand (C>T on the coding strand, the complement: SEMA3A is on the minus strand). VCF-style: chr7-83961478-G-A. GRCh37 (hg19) VCF-style: chr7-83590794-G-A.
Other names: short protein forms P737S.
Identifiers: ClinVar variation 5000930 (VCV005000930.1).